The following is an entry in ClinVar:

NM_172107.4(KCNQ2):c.2276dup (p.Asn759fs)

Gene: KCNQ2 (potassium voltage-gated channel subfamily Q member 2; minus strand). Cytogenetic location: 20q13.33.
Variant type: Duplication.
Coding change: c.2276dup on transcript NM_172107.4 (MANE Select); coding-DNA position 2276, one base duplicated (A; older notation c.2276dupA).
Protein change: p.Asn759fs; shifts the reading frame from asparagine 759.
Molecular consequence: frameshift variant.
Genome position (GRCh38, 1-based): chr20:63,406,987, T duplicated on the plus strand (A on the coding strand, the reverse complement: KCNQ2 is on the minus strand); the first of 2 consecutive T bases (chr20:63,406,987-63,406,988); duplicating either gives the same sequence. VCF-style (leftmost placement, unchanged base first): chr20-63406986-G-GT. GRCh37 (hg19) VCF-style: chr20-62038339-G-GT.
Other names: c.2192dup, p.Asn731fs (NM_004518.6); c.2222dup, p.Asn741fs (NM_172106.3); c.2183dup, p.Asn728fs (NM_172108.5); short protein forms N728fs, N731fs, N759fs, N741fs.
Identifiers: ClinVar variation 844836 (VCV000844836.23), dbSNP rs2079962041, ClinGen allele CA916083760.

ClinVar aggregate classification (germline): Pathogenic/Likely pathogenic. Review status: criteria provided, multiple submitters, no conflicts (2 of 4 stars). 2 submissions from 2 submitters: Pathogenic (1); Likely pathogenic (1). Last evaluated 2024-12-01.

Conditions:
Early-infantile DEE. Also called: Early infantile epileptic encephalopathy; Ohtahara syndrome; Early infantile epileptic encephalopathy with suppression bursts. Identifiers: Orphanet 1934, MedGen C0393706, MONDO:0800491.

Submissions (2):

CeGaT Center for Human Genetics Tuebingen
Classification: Likely pathogenic. Last evaluated: 2024-12-01. Review status: criteria provided, single submitter. Criteria: CeGaT Center For Human Genetics Tuebingen Variant Classification Criteria Version 2. Collection method: clinical testing. Allele origin: germline. Affected: yes. Observed: 1 variant allele.
Comment: KCNQ2: PVS1:Strong, PM2

Labcorp Genetics (formerly Invitae), Labcorp
Classification: Pathogenic for Early-infantile DEE. Last evaluated: 2019-06-27. Review status: criteria provided, single submitter. Criteria: Invitae Variant Classification Sherloc (09022015). Collection method: clinical testing. Allele origin: germline.
Comment: For these reasons, this variant has been classified as Pathogenic. This variant disrupts the C-terminus of the KCNQ2 protein. Other variant(s) that disrupt this region (p.Cys774Leufs*91) have been determined to be pathogenic (PMID: 23692823). This suggests that variants that disrupt this region of the protein are likely to be causative of disease. This variant has not been reported in the literature in individuals with KCNQ2-related conditions. The frequency data for this variant in the population databases is considered unreliable, as metrics indicate insufficient coverage at this position in the ExAC database. This sequence change results in a premature translational stop signal in the KCNQ2 gene (p.Asn759Lysfs*106). While this is not anticipated to result in nonsense mediated decay, it is expected to disrupt the last 114 amino acids of the KCNQ2 protein.

Literature cited by the submitters: PubMed 23692823 (cited by Labcorp Genetics (formerly Invitae), Labcorp).